The following is an entry in ClinVar:

NM_000463.3(UGT1A1):c.1100G>A (p.Arg367His)

Genes: UGT1A (UDP glucuronosyltransferase family 1 member A complex locus; plus strand), UGT1A1 (UDP glucuronosyltransferase family 1 member A1; plus strand), UGT1A10 (UDP glucuronosyltransferase family 1 member A10; plus strand), UGT1A3 (UDP glucuronosyltransferase family 1 member A3; plus strand), UGT1A4 (UDP glucuronosyltransferase family 1 member A4; plus strand) and 5 more. Cytogenetic location: 2q37.1.
Variant type: single nucleotide variant.
Coding change: c.1100G>A on transcript NM_000463.3 (MANE Select); coding-DNA position 1100, G replaced by A.
Protein change: p.Arg367His; replaces arginine 367 with histidine.
Molecular consequence: missense variant.
Genome position (GRCh38, 1-based): chr2:233,768,235, G>A. VCF-style: chr2-233768235-G-A. GRCh37 (hg19) VCF-style: chr2-234676881-G-A.
Other names: c.1091G>A, p.Arg364His (NM_019075.4, NM_019076.5, NM_019077.3 and 1 more transcripts); c.1097G>A, p.Arg366His (NM_001072.4); c.296G>A, p.Arg99His (NM_205862.3); c.1103G>A, p.Arg368His (NM_019078.2, NM_007120.3, NM_019093.4); short protein forms R99H, R364H, R366H, R367H, R368H.
Identifiers: ClinVar variation 4979338 (VCV004979338.1).

ClinVar aggregate classification (germline): Uncertain significance (1 of 4 stars; one submission).

Conditions:
UGT1A1-related disorder. Also called: UGT1A1-related condition; UGT1A1-related disorders.

gnomAD v4.1: 62 of 1,614,018 alleles (0.0038%); highest among the groups gnomAD compares: Middle Eastern, 0.016%; no homozygotes.

Submission:

PreventionGenetics, part of Exact Sciences
Classification: Uncertain significance for UGT1A1-related condition. Last evaluated: 2025-04-02. Review status: criteria provided, single submitter. Criteria: ACMG Guidelines, 2015. Collection method: clinical testing. Allele origin: germline.
Comment: The UGT1A1 c.1100G>A variant is predicted to result in the amino acid substitution p.Arg367His. This variant was reported in an individual with Hyperbilirubinaemia, adult (Chen et al. 2014. PubMed ID: 25200497). This variant is reported in 0.038% of alleles in individuals of East Asian descent in gnomAD. At this time, the clinical significance of this variant is uncertain due to the absence of conclusive functional and genetic evidence.